The following is an entry in ClinVar:

ClinVar aggregate classification (germline): Likely benign. Review status: criteria provided, multiple submitters, no conflicts (2 of 4 stars). 7 submissions from 7 submitters: Likely benign (6). 1 of the submissions does not count toward it. Last evaluated 2026-08-01.

Conditions:
AHCY-related disorder. Also called: AHCY-related condition.
Hypermethioninemia with deficiency of S-adenosylhomocysteine hydrolase. Identifiers: Orphanet 88618, MedGen C3151058, MONDO:0013404, OMIM 613752.
Inborn genetic diseases. Identifiers: MedGen C0950123, MeSH D030342.

Allele frequency attached by ClinVar (database versions not stated): 1000 Genomes Project 0.00319; gnomAD exomes 0.00382 and 0.00541; 1000 Genomes Project 30x 0.00406; ExAC 0.00406; gnomAD 0.00406; TOPMed 0.00437; ESP Exome Variant Server 0.00461.

Submissions (7):

CeGaT Center for Human Genetics Tuebingen
Classification: Likely benign. Last evaluated: 2026-08-01. Review status: criteria provided, single submitter. Criteria: CeGaT Center For Human Genetics Tuebingen Variant Classification Criteria Version 2. Collection method: clinical testing. Allele origin: germline. Affected: yes. Observed: 4 variant alleles.
Comment: AHCY: BS2

Labcorp Genetics (formerly Invitae), Labcorp
Classification: Likely benign for Hypermethioninemia with deficiency of S-adenosylhomocysteine hydrolase. Last evaluated: 2026-02-02. Review status: criteria provided, single submitter. Criteria: Invitae Variant Classification Sherloc (09022015). Collection method: clinical testing. Allele origin: germline.

Blueprint Genetics
Classification: Likely benign. Last evaluated: 2024-11-27. Review status: criteria provided, single submitter. Criteria: ACMG Guidelines, 2015. Collection method: clinical testing. Allele origin: germline.

Ambry Genetics
Classification: Likely benign for Inborn genetic diseases. Last evaluated: 2022-07-04. Review status: criteria provided, single submitter. Criteria: Ambry Variant Classification Scheme 2023. Collection method: clinical testing. Allele origin: germline.

Illumina Laboratory Services, Illumina
Classification: Likely benign for Hypermethioninemia with deficiency of S-adenosylhomocysteine hydrolase. Last evaluated: 2017-04-27. Review status: criteria provided, single submitter. Criteria: ICSL Variant Classification Criteria 13 December 2019. Collection method: clinical testing. Allele origin: germline.
Comment: This variant was observed as part of a predisposition screen in an ostensibly healthy population. A literature search was performed for the gene, cDNA change, and amino acid change (where applicable). No publications were found based on this search. Allele frequency data from public databases allowed determination this variant is unlikely to cause disease. Therefore, this variant is classified as likely benign.

Breakthrough Genomics
Classification: Likely benign. Review status: criteria provided, single submitter. Criteria: ACMG Guidelines, 2015. Collection method: not provided. Allele origin: germline. Inheritance: Autosomal recessive inheritance. Affected: yes.

PreventionGenetics, part of Exact Sciences
Classification: Likely benign for AHCY-related condition. Last evaluated: 2019-11-26. Review status: no assertion criteria provided. Collection method: clinical testing. Allele origin: germline. Not counted in ClinVar's aggregate classification.
Comment: This variant is classified as likely benign based on ACMG/AMP sequence variant interpretation guidelines (Richards et al. 2015 PMID: 25741868, with internal and published modifications).

NM_000687.4(AHCY):c.367G>A (p.Gly123Arg)

Gene: AHCY (adenosylhomocysteinase; minus strand). Cytogenetic location: 20q11.22.
Variant type: single nucleotide variant.
Coding change: c.367G>A on transcript NM_000687.4 (MANE Select); coding-DNA position 367, G replaced by A.
Protein change: p.Gly123Arg; replaces glycine 123 with arginine.
Molecular consequence: missense variant.
Genome position (GRCh38, 1-based): chr20:34,292,436, C>T on the plus strand (G>A on the coding strand, the complement: AHCY is on the minus strand). VCF-style: chr20-34292436-C-T. GRCh37 (hg19) VCF-style: chr20-32880242-C-T.
Other names: c.283G>A, p.Gly95Arg (NM_001161766.2, NM_001322084.2, NM_001322085.2); c.373G>A, p.Gly125Arg (NM_001322086.2); c.367G>A, p.Gly123Arg (NM_001362750.2); short protein forms G123R, G95R, G125R.
Identifiers: ClinVar variation 539061 (VCV000539061.33), dbSNP rs41301825, ClinGen allele CA9821026.